The following is an entry in ClinVar:

NM_005458.8(GABBR2):c.751A>G (p.Ile251Val)

Gene: GABBR2 (gamma-aminobutyric acid type B receptor subunit 2; minus strand). Cytogenetic location: 9q22.33.
Variant type: single nucleotide variant.
Coding change: c.751A>G on transcript NM_005458.8 (MANE Select); coding-DNA position 751, A replaced by G.
Protein change: p.Ile251Val; replaces isoleucine 251 with valine.
Molecular consequence: missense variant.
Genome position (GRCh38, 1-based): chr9:98,480,979, T>C on the plus strand (A>G on the coding strand, the complement: GABBR2 is on the minus strand). VCF-style: chr9-98480979-T-C. GRCh37 (hg19) VCF-style: chr9-101243261-T-C.
Other names: short protein forms I251V.
Identifiers: ClinVar variation 665528 (VCV000665528.9), dbSNP rs1588185283, ClinGen allele CA374351810.

ClinVar aggregate classification (germline): Uncertain significance. Review status: criteria provided, multiple submitters, no conflicts (2 of 4 stars). 2 submissions from 2 submitters: Uncertain significance (2). Last evaluated 2023-12-10.

Conditions:
Epileptic encephalopathy. Identifiers: MedGen C0543888, HP:0200134.

Allele frequency attached by ClinVar (database versions not stated): gnomAD exomes below 0.00001.
gnomAD v4.1: 3 of 1,605,010 alleles (0.00019%); highest among the groups gnomAD compares: Non-Finnish European, 0.00026%; no homozygotes.

Submissions (2):

GeneDx
Classification: Uncertain significance. Last evaluated: 2023-12-10. Review status: criteria provided, single submitter. Criteria: GeneDx Variant Classification Process June 2021. Collection method: clinical testing. Allele origin: germline. Affected: yes.
Comment: Not observed at significant frequency in large population cohorts (gnomAD); In silico analysis supports that this missense variant does not alter protein structure/function; Has not been previously published as pathogenic or benign to our knowledge

Labcorp Genetics (formerly Invitae), Labcorp
Classification: Uncertain significance for Epileptic encephalopathy. Last evaluated: 2022-09-01. Review status: criteria provided, single submitter. Criteria: Invitae Variant Classification Sherloc (09022015). Collection method: clinical testing. Allele origin: germline.
Comment: In summary, the available evidence is currently insufficient to determine the role of this variant in disease. Therefore, it has been classified as a Variant of Uncertain Significance. Algorithms developed to predict the effect of missense changes on protein structure and function are either unavailable or do not agree on the potential impact of this missense change (SIFT: "Deleterious"; PolyPhen-2: "Benign"; Align-GVGD: "Class C0"). ClinVar contains an entry for this variant (Variation ID: 665528). This variant has not been reported in the literature in individuals affected with GABBR2-related conditions. This variant is not present in population databases (gnomAD no frequency). This sequence change replaces isoleucine, which is neutral and non-polar, with valine, which is neutral and non-polar, at codon 251 of the GABBR2 protein (p.Ile251Val).